The following is an entry in ClinVar:

NM_032730.5(RTN4IP1):c.753T>C (p.Asp251=)

Gene: RTN4IP1 (reticulon 4 interacting protein 1; minus strand). Cytogenetic location: 6q21.
Variant type: single nucleotide variant.
Coding change: c.753T>C on transcript NM_032730.5 (MANE Select); coding-DNA position 753, T replaced by C.
Protein change: p.Asp251=; no amino-acid change (aspartic acid 251 retained).
Molecular consequence: synonymous variant.
Genome position (GRCh38, 1-based): chr6:106,592,217, A>G on the plus strand (T>C on the coding strand, the complement: RTN4IP1 is on the minus strand). VCF-style: chr6-106592217-A-G. GRCh37 (hg19) VCF-style: chr6-107040092-A-G.
Other names: c.453T>C, p.Asp151= (NM_001318746.1).
Identifiers: ClinVar variation 4992590 (VCV004992590.1).

ClinVar aggregate classification (germline): Likely benign (1 of 4 stars; one submission).

Conditions:
RTN4IP1-related disorder. Also called: RTN4IP1-related condition.

Submission:

PreventionGenetics, part of Exact Sciences
Classification: Likely benign for RTN4IP1-related condition. Last evaluated: 2026-07-14. Review status: criteria provided, single submitter. Criteria: ACMG Guidelines, 2015. Collection method: clinical testing. Allele origin: germline.
Comment: This variant is classified as likely benign based on ACMG/AMP sequence variant interpretation guidelines (Richards et al. 2015 PMID: 25741868, with internal and published modifications).